The following is an entry in ClinVar:

ClinVar aggregate classification (germline): Likely benign (1 of 4 stars; one submission).

Submission:

CeGaT Center for Human Genetics Tuebingen
Classification: Likely benign. Last evaluated: 2026-05-01. Review status: criteria provided, single submitter. Criteria: CeGaT Center For Human Genetics Tuebingen Variant Classification Criteria Version 2. Collection method: clinical testing. Allele origin: germline. Affected: yes. Observed: 1 variant allele.
Comment: ONECUT3: PM2:Supporting, BP4, BP7

NM_001080488.2(ONECUT3):c.261G>C (p.Pro87=)

Gene: ONECUT3 (one cut homeobox 3; plus strand). Cytogenetic location: 19p13.3.
Variant type: single nucleotide variant.
Coding change: c.261G>C on transcript NM_001080488.2 (MANE Select); coding-DNA position 261, G replaced by C.
Protein change: p.Pro87=; no amino-acid change (proline 87 retained).
Molecular consequence: synonymous variant.
Genome position (GRCh38, 1-based): chr19:1,753,923, G>C. VCF-style: chr19-1753923-G-C. GRCh37 (hg19) VCF-style: chr19-1753922-G-C.
Identifiers: ClinVar variation 4873848 (VCV004873848.2).